The following is an entry in ClinVar:

ClinVar aggregate classification (germline): Conflicting classifications of pathogenicity. Review status: criteria provided, conflicting classifications (1 of 4 stars). 5 submissions from 5 submitters: Pathogenic (2); Likely pathogenic (2); Uncertain significance (1). Last evaluated 2026-06-15.

Conditions:
Cardiovascular phenotype. Identifiers: MedGen CN230736.
Hypertrophic cardiomyopathy. Also called: HYPERTROPHIC MYOCARDIOPATHY. Identifiers: Orphanet 217569, MedGen C0007194, MeSH D002312, MONDO:0005045, HP:0001639.
MYH7-related disorder. Also called: MYH7-related disorders; MYH7-related condition; MYH7-related disease.
Hypertrophic cardiomyopathy 1 (CMH1). Also called: MYH7-Related Familial Hypertrophic Cardiomyopathy; Familial hypertrophic cardiomyopathy 1. Identifiers: MedGen C3495498, MONDO:0008647, OMIM 192600.

Allele frequency attached by ClinVar (database versions not stated): gnomAD 0.00001.

Submissions (5):

GeneDx
Classification: Likely pathogenic. Last evaluated: 2026-06-15. Review status: criteria provided, single submitter. Criteria: GeneDx Variant Classification Process June 2021. Collection method: clinical testing. Allele origin: germline.
Comment: Not observed at significant frequency in large population cohorts (gnomAD); In silico analysis supports that this missense variant has a deleterious effect on protein structure/function; This variant is associated with the following publications: (PMID: BaruaB2019[Abstract], 35216312, 38708944, 33605878, 10679957, 27532257, 29300372, 40118457, 41034214)

3billion
Classification: Pathogenic for Hypertrophic cardiomyopathy 1. Last evaluated: 2024-12-31. Review status: criteria provided, single submitter. Criteria: ACMG Guidelines, 2015. Collection method: clinical testing. Allele origin: germline. Affected: yes.
Comment: The variant is observed at an extremely low frequency in the gnomAD v4.1.0 dataset (total allele frequency: <0.001%). Predicted Consequence/Location: The variant is located in a mutational hot spot and/or well-established functional domain in which established pathogenic variants have been reported (PMID: 29300372). In silico tool predictions suggest damaging effect of the variant on gene or gene product [REVEL: 0.90 (>=0.6, sensitivity 0.68 and specificity 0.92); 3Cnet: 0.99 (>=0.6, sensitivity 0.72 and precision 0.9)]. The same nucleotide change resulting in the same amino acid change has been previously reported as pathogenic/likely pathogenic with strong evidence (ClinVar ID: VCV001370458 /PMID: 10679957). Different missense changes at the same codon (p.Arg712Cys, p.Arg712Gly, p.Arg712His, p.Arg712Ser) have been reported as pathogenic/likely pathogenic with strong evidence (ClinVar ID: VCV000407185, VCV000572471, VCV000575575, VCV000841613 /PMID: 28855170). Therefore, this variant is classified as Pathogenic according to the recommendation of ACMG/AMP guideline.

Labcorp Genetics (formerly Invitae), Labcorp
Classification: Likely pathogenic for Hypertrophic cardiomyopathy. Last evaluated: 2024-02-19. Review status: criteria provided, single submitter. Criteria: Invitae Variant Classification Sherloc (09022015). Collection method: clinical testing. Allele origin: germline.
Comment: This sequence change replaces arginine, which is basic and polar, with leucine, which is neutral and non-polar, at codon 712 of the MYH7 protein (p.Arg712Leu). This variant is present in population databases (no rsID available, gnomAD 0.01%). This missense change has been observed in individual(s) with hypertrophic cardiomyopathy (PMID: 10679957). ClinVar contains an entry for this variant (Variation ID: 1370458). Advanced modeling of protein sequence and biophysical properties (such as structural, functional, and spatial information, amino acid conservation, physicochemical variation, residue mobility, and thermodynamic stability) performed at Invitae indicates that this missense variant is expected to disrupt MYH7 protein function with a positive predictive value of 95%. Experimental studies have shown that this missense change affects MYH7 function (PMID: 33605878). This variant disrupts the p.Arg712 amino acid residue in MYH7. Other variant(s) that disrupt this residue have been determined to be pathogenic (PMID: 28855170). This suggests that this residue is clinically significant, and that variants that disrupt this residue are likely to be disease-causing. In summary, the currently available evidence indicates that the variant is pathogenic, but additional data are needed to prove that conclusively. Therefore, this variant has been classified as Likely Pathogenic.

Greenwood Genetic Center Diagnostic Laboratories, Greenwood Genetic Center
Classification: Pathogenic for MYH7-related disorder. Last evaluated: 2023-10-03. Review status: criteria provided, single submitter. Criteria: ACMG Guidelines, 2015. Collection method: clinical testing. Allele origin: germline.
Comment: PS3, PM5, PM1, PP3, PP2

Ambry Genetics
Classification: Uncertain significance for Cardiovascular phenotype. Last evaluated: 2021-02-25. Review status: criteria provided, single submitter. Criteria: Ambry Variant Classification Scheme 2023. Collection method: clinical testing. Allele origin: germline.
Comment: The p.R712L variant (also known as c.2135G>T), located in coding exon 17 of the MYH7 gene, results from a G to T substitution at nucleotide position 2135. The arginine at codon 712 is replaced by leucine, an amino acid with dissimilar properties. This alteration is reported in a family with hypertrophic cardiomyopathy (HCM) (Sakthivel S et al. Hum Mutat, 2000 Mar;15:298-9). This alteration is located in the myosin head domain, which contains a statistically significant clustering of pathogenic missense variants (Homburger JR et al. Proc Natl Acad Sci U S A, 2016 06;113:6701-6; Walsh R et al. Genet Med, 2017 02;19:192-203; Ambry internal data). This amino acid position is highly conserved in available vertebrate species. In addition, this alteration is predicted to be deleterious by in silico analysis. Since supporting evidence is limited at this time, the clinical significance of this alteration remains unclear.

Literature cited by the submitters: PubMed 28855170 (cited by 3billion and Labcorp Genetics (formerly Invitae), Labcorp); PubMed 10679957 (cited by 3 submitters); PubMed 33605878 (cited by Labcorp Genetics (formerly Invitae), Labcorp).

NM_000257.4(MYH7):c.2135G>T (p.Arg712Leu)

Gene: MYH7 (myosin heavy chain 7; minus strand). Cytogenetic location: 14q11.2.
Variant type: single nucleotide variant.
Coding change: c.2135G>T on transcript NM_000257.4 (MANE Select); coding-DNA position 2135, G replaced by T.
Protein change: p.Arg712Leu; replaces arginine 712 with leucine.
Molecular consequence: missense variant.
Genome position (GRCh38, 1-based): chr14:23,425,991, C>A on the plus strand (G>T on the coding strand, the complement: MYH7 is on the minus strand). VCF-style: chr14-23425991-C-A. GRCh37 (hg19) VCF-style: chr14-23895200-C-A.
Other names: c.2135G>T (NM_000257.2); short protein forms R712L.
Identifiers: ClinVar variation 1370458 (VCV001370458.13), dbSNP rs1224554825, ClinGen allele CA389049056.
Genomic context (GRCh38, chr14:23,425,991, plus strand): 5'-GTTCTATGAGCTCTGGTGCACCCTCATACCCACCTCTGCCGGAAGTCCCCGTAGAGGATG[C>A]GGTTGGGGAAGCCTTTCCTGCAGATGCGGATGCCCTCCAGCACACCATTGCAGCGCAGCT-3'
Protein context (NP_000248.2, residues 702-722): IRICRKGFPN[Arg712Leu]ILYGDFRQRY